The following is an entry in ClinVar:

NM_001349253.2(SCN11A):c.340C>T (p.Pro114Ser)

Gene: SCN11A (sodium voltage-gated channel alpha subunit 11; minus strand). Cytogenetic location: 3p22.2.
Variant type: single nucleotide variant.
Coding change: c.340C>T on transcript NM_001349253.2 (MANE Select); coding-DNA position 340, C replaced by T.
Protein change: p.Pro114Ser; replaces proline 114 with serine.
Molecular consequence: missense variant.
Genome position (GRCh38, 1-based): chr3:38,946,835, G>A on the plus strand (C>T on the coding strand, the complement: SCN11A is on the minus strand). VCF-style: chr3-38946835-G-A. GRCh37 (hg19) VCF-style: chr3-38988326-G-A.
Other names: c.340C>T, p.Pro114Ser (NM_014139.3); short protein forms P114S.
Identifiers: ClinVar variation 856410 (VCV000856410.6), dbSNP rs879403445, ClinGen allele CA72991731.

ClinVar aggregate classification (germline): Uncertain significance (1 of 4 stars; one submission).

Conditions:
Hereditary sensory and autonomic neuropathy type 7. Also called: Neuropathy, hereditary sensory and autonomic, type VII; HSAN VII. Identifiers: Orphanet 391397, MedGen C3809882, MONDO:0014244, OMIM 615548.
Familial episodic pain syndrome with predominantly lower limb involvement. Also called: Episodic pain syndrome, familial, 3. Identifiers: Orphanet 391384, Orphanet 391392, MedGen C3809899, MONDO:0014247, OMIM 615552.

Allele frequency attached by ClinVar (database versions not stated): gnomAD exomes 0.00001.

Submission:

Labcorp Genetics (formerly Invitae), Labcorp
Classification: Uncertain significance for Familial episodic pain syndrome with predominantly lower limb involvement; Hereditary sensory and autonomic neuropathy type 7. Last evaluated: 2025-04-30. Review status: criteria provided, single submitter. Criteria: Invitae Variant Classification Sherloc (09022015). Collection method: clinical testing. Allele origin: germline.
Comment: This sequence change replaces proline, which is neutral and non-polar, with serine, which is neutral and polar, at codon 114 of the SCN11A protein (p.Pro114Ser). This variant is present in population databases (no rsID available, gnomAD 0.009%). This variant has not been reported in the literature in individuals affected with SCN11A-related conditions. ClinVar contains an entry for this variant (Variation ID: 856410). Invitae Evidence Modeling of protein sequence and biophysical properties (such as structural, functional, and spatial information, amino acid conservation, physicochemical variation, residue mobility, and thermodynamic stability) indicates that this missense variant is not expected to disrupt SCN11A protein function with a negative predictive value of 80%. In summary, the available evidence is currently insufficient to determine the role of this variant in disease. Therefore, it has been classified as a Variant of Uncertain Significance.